The following is an entry in ClinVar:

NM_000303.3(PMM2):c.365del (p.Phe122fs)

Gene: PMM2 (phosphomannomutase 2; plus strand). Cytogenetic location: 16p13.2.
Variant type: Deletion.
Coding change: c.365del on transcript NM_000303.3 (MANE Select); coding-DNA position 365, one base deleted (T; older notation c.365delT).
Protein change: p.Phe122fs; shifts the reading frame from phenylalanine 122.
Molecular consequence: frameshift variant.
Genome position (GRCh38, 1-based): chr16:8,811,096, T deleted; the last of 2 consecutive T bases (chr16:8,811,095-8,811,096); deleting either gives the same sequence. VCF-style (leftmost placement, unchanged base first): chr16-8811094-AT-A. GRCh37 (hg19) VCF-style: chr16-8904951-AT-A.
Other names: short protein forms F122fs.
Identifiers: ClinVar variation 5015682 (VCV005015682.1), dbSNP rs2549146955.

ClinVar aggregate classification (germline): Pathogenic (1 of 4 stars; one submission).

Conditions:
PMM2-congenital disorder of glycosylation. Also called: CDG Ia; JAEKEN SYNDROME; PHOSPHOMANNOMUTASE 2 DEFICIENCY; CARBOHYDRATE-DEFICIENT GLYCOPROTEIN SYNDROME, TYPE Ia; PMM2-CDG; Congenital disorder of glycosylation, type Ia. Identifiers: Orphanet 79318, MedGen C0349653, MONDO:0008907, OMIM 212065.

Submission:

Myriad Genetics, Inc.
Classification: Pathogenic for PMM2-congenital disorder of glycosylation. Last evaluated: 2026-03-15. Review status: criteria provided, single submitter. Criteria: Myriad Autosomal Dominant, Autosomal Recessive and X-Linked Classification Criteria (2023). Collection method: clinical testing. Allele origin: unknown.
Comment: NM_000303.2(PMM2):c.365delT(F122Sfs*6) is expected to be pathogenic in the context of congenital disorder of glycosylation, PMM2-related. This variant is predicted to lead to an abnormal or absent protein product due to the creation of a premature termination codon in PMM2, a gene where loss-of-function variants are known to be pathogenic. Please note: this variant was assessed in the context of healthy population screening.